The following is an entry in ClinVar:

NM_001351132.2(PEX5):c.533G>A (p.Gly178Glu)

Gene: PEX5 (peroxisomal biogenesis factor 5; plus strand). Cytogenetic location: 12p13.31.
Variant type: single nucleotide variant.
Coding change: c.533G>A on transcript NM_001351132.2 (MANE Select); coding-DNA position 533, G replaced by A.
Protein change: p.Gly178Glu; replaces glycine 178 with glutamic acid.
Molecular consequence: missense variant.
Genome position (GRCh38, 1-based): chr12:7,199,095, G>A. VCF-style: chr12-7199095-G-A. GRCh37 (hg19) VCF-style: chr12-7351691-G-A.
Other names: c.533G>A, p.Gly178Glu (NM_000319.5, NM_001131024.2, NM_001131025.2 and 19 more transcripts); c.578G>A, p.Gly193Glu (NM_001131023.2, NM_001351135.3, NM_001351138.2); short protein forms G178E, G193E.
Identifiers: ClinVar variation 310418 (VCV000310418.13), dbSNP rs749729761, ClinGen allele CA6426161.

ClinVar aggregate classification (germline): Uncertain significance. Review status: criteria provided, multiple submitters, no conflicts (2 of 4 stars). 5 submissions from 5 submitters: Uncertain significance (5). Last evaluated 2025-09-22.

Conditions:
PEX5-related disorder. Also called: PEX5-Related Disorders; PEX5-related condition.
Peroxisome biogenesis disorder 2B (PBD2B). Identifiers: Orphanet 44, MedGen C3550234, MONDO:0008736, OMIM 202370.
Peroxisome biogenesis disorder 2A (Zellweger) (PBD2A). Also called: Cerebrohepatorenal syndrome, variant types. Identifiers: Orphanet 912, MedGen C3550273, MONDO:0008954, OMIM 214110.
Rhizomelic chondrodysplasia punctata type 5 (RCDP5). Identifiers: Orphanet 468717, MedGen C4225237, MONDO:0014743, OMIM 616716.

Allele frequency attached by ClinVar (database versions not stated): TOPMed 0.00002.
gnomAD v4.1: 52 of 1,600,190 alleles (0.0032%); highest among the groups gnomAD compares: Admixed American, 0.013%; no homozygotes.

Submissions (5):

PreventionGenetics, part of Exact Sciences
Classification: Uncertain significance for PEX5-related condition. Last evaluated: 2025-09-22. Review status: criteria provided, single submitter. Criteria: ACMG Guidelines, 2015. Collection method: clinical testing. Allele origin: germline.
Comment: The PEX5 c.533G>A variant is predicted to result in the amino acid substitution p.Gly178Glu. To our knowledge, this variant has not been reported in the literature. This variant is reported in 0.018% of alleles in individuals of Latino descent in gnomAD. At this time, the clinical significance of this variant is uncertain due to the absence of conclusive functional and genetic evidence.

Labcorp Genetics (formerly Invitae), Labcorp
Classification: Uncertain significance for Peroxisome biogenesis disorder 2B. Last evaluated: 2022-07-26. Review status: criteria provided, single submitter. Criteria: Invitae Variant Classification Sherloc (09022015). Collection method: clinical testing. Allele origin: germline.
Comment: This sequence change replaces glycine, which is neutral and non-polar, with glutamic acid, which is acidic and polar, at codon 178 of the PEX5 protein (p.Gly178Glu). This variant is present in population databases (rs749729761, gnomAD 0.02%). This variant has not been reported in the literature in individuals affected with PEX5-related conditions. ClinVar contains an entry for this variant (Variation ID: 310418). Algorithms developed to predict the effect of missense changes on protein structure and function output the following: SIFT: "Tolerated"; PolyPhen-2: "Benign"; Align-GVGD: "Class C0". The glutamic acid amino acid residue is found in multiple mammalian species, which suggests that this missense change does not adversely affect protein function. In summary, the available evidence is currently insufficient to determine the role of this variant in disease. Therefore, it has been classified as a Variant of Uncertain Significance.

Elsea Laboratory, Baylor College of Medicine
Classification: Uncertain significance for Peroxisome biogenesis disorder 2A (Zellweger); Peroxisome biogenesis disorder 2B; Rhizomelic chondrodysplasia punctata type 5. Last evaluated: 2020-04-01. Review status: criteria provided, single submitter. Criteria: ACMG Guidelines, 2015. Collection method: clinical testing. Allele origin: germline. Affected: no.

Eurofins Ntd Llc (ga)
Classification: Uncertain significance. Last evaluated: 2018-02-01. Review status: criteria provided, single submitter. Criteria: EGL Classification Definitions 2015. Collection method: clinical testing. Allele origin: germline. Observed: 2 variant alleles, 2 heterozygotes.

Illumina Laboratory Services, Illumina
Classification: Uncertain significance for Peroxisome biogenesis disorder 2A (Zellweger). Last evaluated: 2018-01-13. Review status: criteria provided, single submitter. Criteria: ICSL Variant Classification Criteria 13 December 2019. Collection method: clinical testing. Allele origin: germline.